The following is an entry in ClinVar:

NM_023036.6(DNAI2):c.1645G>A (p.Glu549Lys)

Gene: DNAI2 (dynein axonemal intermediate chain 2; plus strand). Cytogenetic location: 17q25.1.
Variant type: single nucleotide variant.
Coding change: c.1645G>A on transcript NM_023036.6 (MANE Select); coding-DNA position 1645, G replaced by A.
Protein change: p.Glu549Lys; replaces glutamic acid 549 with lysine.
Molecular consequence: missense variant.
Genome position (GRCh38, 1-based): chr17:74,312,153, G>A. VCF-style: chr17-74312153-G-A. GRCh37 (hg19) VCF-style: chr17-72308292-G-A.
Other names: c.1645G>A (NM_023036.4); c.1609G>A, p.Glu537Lys (NM_001172810.3); c.1645G>A, p.Glu549Lys (NM_001353167.2); short protein forms E549K, E537K.
Identifiers: ClinVar variation 2139657 (VCV002139657.2), dbSNP rs368063114, ClinGen allele CA8745855.

ClinVar aggregate classification (germline): Uncertain significance. Review status: criteria provided, multiple submitters, no conflicts (2 of 4 stars). 2 submissions from 2 submitters: Uncertain significance (2). Last evaluated 2023-09-20.

Conditions:
Primary ciliary dyskinesia. Also called: Ciliary dyskinesia. Identifiers: Orphanet 244, MedGen C0008780, MONDO:0016575, HP:0012265.

Allele frequency attached by ClinVar (database versions not stated): gnomAD 0.00002; TOPMed 0.00002; ExAC 0.00003; ESP Exome Variant Server 0.00008; gnomAD exomes 0.00011.
gnomAD v4.1: 159 of 1,613,616 alleles (0.0099%); highest among the groups gnomAD compares: Non-Finnish European, 0.013%; no homozygotes.

Submissions (2):

Ambry Genetics
Classification: Uncertain significance for Primary ciliary dyskinesia. Last evaluated: 2023-09-20. Review status: criteria provided, single submitter. Criteria: Ambry Variant Classification Scheme 2023. Collection method: clinical testing. Allele origin: germline.

Labcorp Genetics (formerly Invitae), Labcorp
Classification: Uncertain significance for Primary ciliary dyskinesia. Last evaluated: 2022-03-15. Review status: criteria provided, single submitter. Criteria: Invitae Variant Classification Sherloc (09022015). Collection method: clinical testing. Allele origin: germline.
Comment: This sequence change replaces glutamic acid, which is acidic and polar, with lysine, which is basic and polar, at codon 549 of the DNAI2 protein (p.Glu549Lys). This variant is present in population databases (rs368063114, gnomAD 0.005%). This variant has not been reported in the literature in individuals affected with DNAI2-related conditions. Algorithms developed to predict the effect of missense changes on protein structure and function (SIFT, PolyPhen-2, Align-GVGD) all suggest that this variant is likely to be tolerated. In summary, the available evidence is currently insufficient to determine the role of this variant in disease. Therefore, it has been classified as a Variant of Uncertain Significance.